The following is an entry in ClinVar:

GRCh37/hg19 12q23.3-24.11(chr12:107197584-109830564)x1

Genes: ABTB3 (ankyrin repeat and BTB domain containing 3; plus strand), ACACB (acetyl-CoA carboxylase beta; plus strand), ALKBH2 (alkB homolog 2, alpha-ketoglutarate dependent dioxygenase; minus strand), ASCL4 (achaete-scute family bHLH transcription factor 4; plus strand), CMKLR1 (chemerin chemokine-like receptor 1; minus strand) and 20 more. Cytogenetic location: 12q23.3-24.11.
Variant type: copy number loss.
Change: copy number 1 (one copy instead of two) of chr12:107,197,584-109,830,564 (2.63 Mb, GRCh37 coordinates, 1-based), cytogenetic band 12q23.3-24.11.
Identifiers: ClinVar variation 988907 (VCV000988907.4).

ClinVar aggregate classification (germline): Uncertain significance (1 of 4 stars; one submission).

Submission:

Illumina Laboratory Services, Illumina
Classification: Uncertain significance. Last evaluated: 2019-03-01. Review status: criteria provided, single submitter. Criteria: ICSL CNVClassificationCriteria Aug2020. Collection method: clinical testing. Allele origin: unknown.
Comment: This CNV is a 2.6 Mb deletion of 12q23.3-q24.11, on chromosome 12, (seq[GRCh37]del(12)(q23.3q24.11); chr12: g.107197584_109830564), found in a de novo state and constitutes a loss encompassing 44 genes. Patients with similar deletions in this region have not been reported in the peer-reviewed literature. This CNV has not been reported in controls. Based on the limited evidence currently available, this CNV is classified as a variant of uncertain significance.